The following is an entry in ClinVar:

NM_000038.6(APC):c.184TCT[1] (p.Ser63del)

Gene: APC (APC regulator of Wnt signaling pathway; plus strand). Cytogenetic location: 5q22.2.
Variant type: Microsatellite.
Coding change: c.184TCT[1] on transcript NM_000038.6 (MANE Select); one copy of the 3-base unit TCT starting at c.184; the reference has two copies in a row; one copy, 3 bases deleted; also written c.187_189del.
Protein change: p.Ser63del; deletes serine 63.
Molecular consequence: inframe deletion. On other transcripts: 5 prime UTR variant (1).
Genome position (GRCh38, 1-based): chr5:112,766,377-112,766,379, TCT deleted; deleting any 3 consecutive bases within chr5:112,766,372-112,766,379 gives the same sequence; the position shown is the placement nearest the transcript's 3' end. VCF-style (leftmost placement, unchanged base first): chr5-112766371-GCTT-G. GRCh37 (hg19) VCF-style: chr5-112102068-GCTT-G.
Other names: c.184TCT[1], p.Ser63del (NM_001127510.3, NM_001354895.2, NM_001354896.2 and 2 more transcripts); c.214TCT[1], p.Ser73del (NM_001127511.3, NM_001354897.2, NM_001354902.2); c.109TCT[1], p.Ser38del (NM_001354898.2, NM_001354904.2); c.7TCT[1], p.Ser4del (NM_001354900.2, NM_001354901.2, NM_001354905.2); c.-852TCT[1] (NM_001354906.2); c.187_189del (NM_000038.6); short protein forms S63del, S73del, S38del, S4del.
Identifiers: ClinVar variation 233688 (VCV000233688.22), dbSNP rs876660575, ClinGen allele CA10578283.
Genomic context (GRCh38, chr5:112,766,371, plus strand): 5'-TGTTCTTTTTAACAGGAAGTACTTAAACAACTACAAGGAAGTATTGAAGATGAAGCTATG[GCTT>G]CTTCTGGACAGATTGATTTATTAGAGCGTCTTAAAGGTAGATTTTAAAAAGGTGTTTTAA-3'

ClinVar aggregate classification (germline): Uncertain significance. Review status: criteria provided, multiple submitters, no conflicts (2 of 4 stars). 4 submissions from 4 submitters: Uncertain significance (4). Last evaluated 2025-04-02.

Conditions:
Familial adenomatous polyposis 1 (FAP1). Also called: FAMILIAL ADENOMATOUS POLYPOSIS 1, ATTENUATED; POLYPOSIS, ADENOMATOUS INTESTINAL. Identifiers: MedGen C2713442, MONDO:0021056, OMIM 175100. Disease mechanism: loss of function.
Hereditary cancer-predisposing syndrome. Also called: Neoplastic Syndromes, Hereditary; Tumor predisposition; Hereditary Cancer Syndrome; Hereditary neoplastic syndrome. Identifiers: Orphanet 140162, MedGen C0027672, MeSH D009386, MONDO:0015356.

Submissions (4):

Ambry Genetics
Classification: Uncertain significance for Hereditary cancer-predisposing syndrome. Last evaluated: 2025-04-02. Review status: criteria provided, single submitter. Criteria: Ambry Variant Classification Scheme 2023. Collection method: clinical testing. Allele origin: germline.
Comment: The c.187_189delTCT variant (also known as p.S63del) is located in coding exon 2 of the APC gene. This variant results from an in-frame TCT deletion at nucleotide positions 187 to 189. This results in the in-frame deletion of a serine at codon 63. This amino acid position is well conserved in available vertebrate species. In addition, the in silico prediction for this alteration is inconclusive (Choi Y et al. PLoS ONE. 2012; 7(10):e46688). Based on the available evidence, the clinical significance of this variant remains unclear.

Labcorp Genetics (formerly Invitae), Labcorp
Classification: Uncertain significance for Familial adenomatous polyposis 1. Last evaluated: 2023-04-14. Review status: criteria provided, single submitter. Criteria: Invitae Variant Classification Sherloc (09022015). Collection method: clinical testing. Allele origin: germline.
Comment: This variant, c.187_189del, results in the deletion of 1 amino acid(s) of the APC protein (p.Ser63del), but otherwise preserves the integrity of the reading frame. This variant is not present in population databases (gnomAD no frequency). This variant has not been reported in the literature in individuals affected with APC-related conditions. ClinVar contains an entry for this variant (Variation ID: 233688). Experimental studies and prediction algorithms are not available or were not evaluated, and the functional significance of this variant is currently unknown. In summary, the available evidence is currently insufficient to determine the role of this variant in disease. Therefore, it has been classified as a Variant of Uncertain Significance.

Color Diagnostics, LLC DBA Color Health
Classification: Uncertain significance for Hereditary cancer-predisposing syndrome. Last evaluated: 2022-05-10. Review status: criteria provided, single submitter. Criteria: ACMG Guidelines, 2015. Collection method: clinical testing. Allele origin: germline.
Comment: This missense variant deletes a serine at codon 63 in the ATP protein. To our knowledge, functional studies have not been reported for this variant. This variant has not been reported in individuals affected with hereditary cancer in the literature. This variant has not been identified in the general population by the Genome Aggregation Database (gnomAD). The available evidence is insufficient to determine the role of this variant in disease conclusively. Therefore, this variant is classified as a Variant of Uncertain Significance.

GeneDx
Classification: Uncertain significance. Last evaluated: 2019-08-29. Review status: criteria provided, single submitter. Criteria: GeneDx Variant Classification Process June 2021. Collection method: clinical testing. Allele origin: germline. Affected: yes.
Comment: In-frame deletion of 1 amino acid in a non-repeat region; In silico analysis, which includes protein predictors and evolutionary conservation, supports a deleterious effect; Has not been previously published as pathogenic or benign to our knowledge; Not observed in large population cohorts (Lek et al., 2016)